The following is an entry in ClinVar:

NM_000051.4(ATM):c.672G>T (p.Lys224Asn)

Gene: ATM (ATM serine/threonine kinase; plus strand). Cytogenetic location: 11q22.3.
Variant type: single nucleotide variant.
Coding change: c.672G>T on transcript NM_000051.4 (MANE Select); coding-DNA position 672, G replaced by T.
Protein change: p.Lys224Asn; replaces lysine 224 with asparagine.
Molecular consequence: missense variant.
Genome position (GRCh38, 1-based): chr11:108,244,797, G>T. VCF-style: chr11-108244797-G-T. GRCh37 (hg19) VCF-style: chr11-108115524-G-T.
Other names: c.672G>T, p.Lys224Asn (NM_001351834.2); short protein forms K224N.
Identifiers: ClinVar variation 236758 (VCV000236758.17), dbSNP rs769731317, ClinGen allele CA6264664.

ClinVar aggregate classification (germline): Conflicting classifications of pathogenicity. Review status: criteria provided, conflicting classifications (1 of 4 stars). 3 submissions from 3 submitters: Uncertain significance (2); Likely benign (1). Last evaluated 2025-12-09.

Conditions:
Hereditary cancer-predisposing syndrome. Also called: Tumor predisposition; Hereditary Cancer Syndrome; Hereditary neoplastic syndrome; Neoplastic Syndromes, Hereditary. Identifiers: Orphanet 140162, MedGen C0027672, MeSH D009386, MONDO:0015356.
Ataxia-telangiectasia syndrome (AT). Also called: Ataxia telangiectasia (A-T); LOUIS-BAR SYNDROME; Cerebello-oculocutaneous telangiectasia; Immunodeficiency with ataxia telangiectasia; ATAXIA-TELANGIECTASIA, COMPLEMENTATION GROUP A; ATAXIA-TELANGIECTASIA, FRESNO VARIANT. Identifiers: Orphanet 100, MedGen C0004135, MONDO:0008840, OMIM 208900.

Allele frequency attached by ClinVar (database versions not stated): gnomAD 0.00001.
gnomAD v4.1: 5 of 1,613,044 alleles (0.00031%); highest among the groups gnomAD compares: Admixed American, 0.0017%; no homozygotes.

Submissions (3):

Labcorp Genetics (formerly Invitae), Labcorp
Classification: Uncertain significance for Ataxia-telangiectasia syndrome. Last evaluated: 2025-12-09. Review status: criteria provided, single submitter. Criteria: Invitae Variant Classification Sherloc (09022015). Collection method: clinical testing. Allele origin: germline.
Comment: This sequence change replaces lysine, which is basic and polar, with asparagine, which is neutral and polar, at codon 224 of the ATM protein (p.Lys224Asn). The frequency data for this variant in the population databases is considered unreliable, as metrics indicate poor data quality at this position in the gnomAD database. This variant has not been reported in the literature in individuals affected with ATM-related conditions. ClinVar contains an entry for this variant (Variation ID: 236758). Invitae Evidence Modeling of protein sequence and biophysical properties (such as structural, functional, and spatial information, amino acid conservation, physicochemical variation, residue mobility, and thermodynamic stability) indicates that this missense variant is not expected to disrupt ATM protein function with a negative predictive value of 95%. In summary, the available evidence is currently insufficient to determine the role of this variant in disease. Therefore, it has been classified as a Variant of Uncertain Significance.

Ambry Genetics
Classification: Likely benign for Hereditary cancer-predisposing syndrome. Last evaluated: 2024-06-25. Review status: criteria provided, single submitter. Criteria: Ambry Variant Classification Scheme 2023. Collection method: clinical testing. Allele origin: germline.

Color Diagnostics, LLC DBA Color Health
Classification: Uncertain significance for Hereditary cancer-predisposing syndrome. Last evaluated: 2024-03-06. Review status: criteria provided, single submitter. Criteria: ACMG Guidelines, 2015. Collection method: clinical testing. Allele origin: germline.
Comment: This missense variant replaces lysine with asparagine at codon 224 of the ATM protein. Computational prediction suggests that this variant may not impact protein structure and function (internally defined REVEL score threshold <= 0.5, PMID: 27666373). To our knowledge, functional studies have not been reported for this variant. This variant has not been reported in individuals affected with hereditary cancer in the literature. This variant has been identified in 2/282438 chromosomes in the general population by the Genome Aggregation Database (gnomAD). The available evidence is insufficient to determine the role of this variant in disease conclusively. Therefore, this variant is classified as a Variant of Uncertain Significance.